The following is an entry in ClinVar:

ClinVar aggregate classification (germline): Pathogenic/Likely pathogenic. Review status: criteria provided, multiple submitters, no conflicts (2 of 4 stars). 8 submissions from 8 submitters: Pathogenic (4); Likely pathogenic (2). 2 of the submissions do not count toward it. Last evaluated 2025-02-17.

Conditions:
IGHMBP2-related disorder. Also called: IGHMBP2-related disorders; IGHMBP2-related condition.
Charcot-Marie-Tooth disease axonal type 2S. Also called: CHARCOT-MARIE-TOOTH NEUROPATHY, TYPE 2S; CHARCOT-MARIE-TOOTH DISEASE, AXONAL, AUTOSOMAL RECESSIVE, TYPE 2S. Identifiers: Orphanet 443073, MedGen C4015349, MONDO:0014511, OMIM 616155.
Autosomal recessive distal spinal muscular atrophy 1. Also called: HMN VI; Spinal muscular atrophy with respiratory distress 1; NEURONOPATHY, SEVERE INFANTILE AXONAL, WITH RESPIRATORY FAILURE; SEVERE INFANTILE AXONAL NEUROPATHY WITH RESPIRATORY FAILURE; SPINAL MUSCULAR ATROPHY, DIAPHRAGMATIC; NEURONOPATHY, DISTAL HEREDITARY MOTOR, HARDING TYPE VI. Identifiers: Orphanet 98920, MedGen C1858517, MONDO:0011436, OMIM 604320.
Peripheral neuropathy. Also called: Neuropathy. Identifiers: MedGen C0031117, MONDO:0005244, HP:0009830.

Allele frequency attached by ClinVar (database versions not stated): TOPMed 0.00001; gnomAD exomes 0.00002 and 0.00004; ExAC 0.00005.

Submissions (8):

Women's Health and Genetics/Laboratory Corporation of America, LabCorp
Classification: Pathogenic for Autosomal recessive distal spinal muscular atrophy 1. Last evaluated: 2025-02-17. Review status: criteria provided, single submitter. Criteria: LabCorp Variant Classification Summary - May 2015. Collection method: clinical testing. Allele origin: germline.
Comment: Variant summary: IGHMBP2 c.1738G>A (p.Val580Ile) results in a conservative amino acid change in the encoded protein sequence. Four of five in-silico tools predict a damaging effect of the variant on protein function. The variant allele was found at a frequency of 4.4e-05 in 251416 control chromosomes (gnomAD). This frequency is not significantly higher than estimated for a pathogenic variant in IGHMBP2 causing Autosomal recessive distal spinal muscular atrophy 1 (4.4e-05 vs 0.0011), allowing no conclusion about variant significance. c.1738G>A has been reported in the literature in individuals affected with Autosomal recessive distal spinal muscular atrophy 1 (Eckart_2011, Karakaya_2018). These data indicate that the variant is likely to be associated with disease. At least one publication reports experimental evidence evaluating an impact on protein function and this variant affected the IGHMBP2 protein function (Eckart_2011). The following publications have been ascertained in the context of this evaluation (PMID: 22157136, 29858556). ClinVar contains an entry for this variant (Variation ID: 9114). Based on the evidence outlined above, the variant was classified as pathogenic.

Labcorp Genetics (formerly Invitae), Labcorp
Classification: Pathogenic for Autosomal recessive distal spinal muscular atrophy 1; Charcot-Marie-Tooth disease axonal type 2S. Last evaluated: 2024-03-11. Review status: criteria provided, single submitter. Criteria: Invitae Variant Classification Sherloc (09022015). Collection method: clinical testing. Allele origin: germline.
Comment: This sequence change replaces valine, which is neutral and non-polar, with isoleucine, which is neutral and non-polar, at codon 580 of the IGHMBP2 protein (p.Val580Ile). This variant is present in population databases (rs137852667, gnomAD 0.02%). This missense change has been observed in individual(s) with clinical features of IGHMBP2-related conditions (PMID: 11528396, 16765827, 25439726, 26392352, 30598237; Invitae). In at least one individual the data is consistent with being in trans (on the opposite chromosome) from a pathogenic variant. ClinVar contains an entry for this variant (Variation ID: 9114). Advanced modeling of protein sequence and biophysical properties (such as structural, functional, and spatial information, amino acid conservation, physicochemical variation, residue mobility, and thermodynamic stability) performed at Invitae indicates that this missense variant is expected to disrupt IGHMBP2 protein function with a positive predictive value of 80%. Experimental studies have shown that this missense change affects IGHMBP2 function (PMID: 22157136). For these reasons, this variant has been classified as Pathogenic.

GeneDx
Classification: Pathogenic. Last evaluated: 2023-02-01. Review status: criteria provided, single submitter. Criteria: GeneDx Variant Classification Process June 2021. Collection method: clinical testing. Allele origin: germline. Affected: yes.
Comment: Reported previously in an individual with Charcot-Marie-Tooth disease who harbored an additional IGHMBP2 variant; however, comprehensive genetic testing was not completed (Cottenie et al., 2014); Published functional studies demonstrate a severe loss in enzymatic activity (Eckart et al., 2012); In silico analysis supports that this missense variant does not alter protein structure/function; This variant is associated with the following publications: (PMID: 11528396, 16025284, 15108294, 22157136, 15248100, 14681881, 34426522, 31589614, 24388491, 25439726, 22965130, 35611426, 29653221, 33210134, 31980526, 29858556, 36077311, 35660062, Zhang_2017, 30598237, 16765827)

Kariminejad - Najmabadi Pathology & Genetics Center
Classification: Likely pathogenic for Peripheral neuropathy. Last evaluated: 2021-07-10. Review status: criteria provided, single submitter. Criteria: ACMG Guidelines, 2015. Collection method: clinical testing. Allele origin: germline. Affected: yes.

Blueprint Genetics
Classification: Likely pathogenic for IGHMBP2-related disorders. Last evaluated: 2020-05-22. Review status: criteria provided, single submitter. Criteria: ACMG Guidelines, 2015. Collection method: clinical testing. Allele origin: germline. Affected: yes. Observed: 2 variant alleles.

Suma Genomics
Classification: Pathogenic for Charcot-Marie-Tooth disease axonal type 2S; Autosomal recessive distal spinal muscular atrophy 1. Review status: criteria provided, single submitter. Criteria: ACMG Guidelines, 2015. Collection method: clinical testing. Allele origin: inherited. Inheritance: Autosomal recessive inheritance. Affected: yes.

Institute of Human Genetics, Cologne University
Classification: Pathogenic for Autosomal recessive distal spinal muscular atrophy 1. Last evaluated: 2018-04-25. Review status: no assertion criteria provided. Collection method: clinical testing. Allele origin: germline. Affected: yes. Not counted in ClinVar's aggregate classification.

OMIM
Classification: Pathogenic for NEURONOPATHY, DISTAL HEREDITARY MOTOR, AUTOSOMAL RECESSIVE 1. Last evaluated: 2001-09-01. Review status: no assertion criteria provided. Collection method: literature only. Allele origin: germline. Not counted in ClinVar's aggregate classification.

Literature cited by the submitters: PubMed 29858556 (cited by Women's Health and Genetics/Laboratory Corporation of America, LabCorp); PubMed 22157136 (cited by Women's Health and Genetics/Laboratory Corporation of America, LabCorp and Labcorp Genetics (formerly Invitae), Labcorp); PubMed 11528396 (cited by Labcorp Genetics (formerly Invitae), Labcorp and OMIM); PubMed 16765827 (cited by Labcorp Genetics (formerly Invitae), Labcorp); PubMed 25439726 (cited by Labcorp Genetics (formerly Invitae), Labcorp); PubMed 26392352 (cited by Labcorp Genetics (formerly Invitae), Labcorp); PubMed 30598237 (cited by Labcorp Genetics (formerly Invitae), Labcorp).

NM_002180.3(IGHMBP2):c.1738G>A (p.Val580Ile)

Gene: IGHMBP2 (immunoglobulin mu DNA binding protein 2; plus strand). Cytogenetic location: 11q13.3.
Variant type: single nucleotide variant.
Coding change: c.1738G>A on transcript NM_002180.3 (MANE Select); coding-DNA position 1738, G replaced by A.
Protein change: p.Val580Ile; replaces valine 580 with isoleucine.
Molecular consequence: missense variant.
Genome position (GRCh38, 1-based): chr11:68,935,404, G>A. VCF-style: chr11-68935404-G-A. GRCh37 (hg19) VCF-style: chr11-68702872-G-A.
Other names: V580I.
Identifiers: ClinVar variation 9114 (VCV000009114.38), dbSNP rs137852667, ClinGen allele CA254646.